The following is an entry in ClinVar:

NM_015047.3(EMC1):c.1987C>T (p.His663Tyr)

Genes: EMC1 (ER membrane protein complex subunit 1; minus strand), EMC1-AS1 (EMC1 antisense RNA 1; plus strand). Cytogenetic location: 1p36.13.
Variant type: single nucleotide variant.
Coding change: c.1987C>T on transcript NM_015047.3 (MANE Select); coding-DNA position 1987, C replaced by T.
Protein change: p.His663Tyr; replaces histidine 663 with tyrosine.
Molecular consequence: missense variant.
Genome position (GRCh38, 1-based): chr1:19,230,921, G>A on the plus strand (C>T on the coding strand, the complement: EMC1 is on the minus strand). VCF-style: chr1-19230921-G-A. GRCh37 (hg19) VCF-style: chr1-19557415-G-A.
Other names: c.1984C>T, p.His662Tyr (NM_001271427.2, NM_001271428.2); c.1921C>T, p.His641Tyr (NM_001271429.2); c.1996C>T, p.His666Tyr (NM_001375820.1); c.1993C>T, p.His665Tyr (NM_001375821.1); short protein forms H665Y, H641Y, H666Y, H662Y, H663Y.
Identifiers: ClinVar variation 2852148 (VCV002852148.3), dbSNP rs761598407, ClinGen allele CA652435.

ClinVar aggregate classification (germline): Uncertain significance (1 of 4 stars; one submission).

Allele frequency attached by ClinVar (database versions not stated): ExAC 0.00001; gnomAD exomes 0.00001.
gnomAD v4.1: 3 of 1,614,208 alleles (0.00019%); highest among the groups gnomAD compares: South Asian, 0.0033%; no homozygotes.

Submission:

Labcorp Genetics (formerly Invitae), Labcorp
Classification: Uncertain significance. Last evaluated: 2023-05-25. Review status: criteria provided, single submitter. Criteria: Invitae Variant Classification Sherloc (09022015). Collection method: clinical testing. Allele origin: germline.
Comment: In summary, the available evidence is currently insufficient to determine the role of this variant in disease. Therefore, it has been classified as a Variant of Uncertain Significance. Advanced modeling of protein sequence and biophysical properties (such as structural, functional, and spatial information, amino acid conservation, physicochemical variation, residue mobility, and thermodynamic stability) performed at Invitae indicates that this missense variant is not expected to disrupt EMC1 protein function. This variant has not been reported in the literature in individuals affected with EMC1-related conditions. This variant is present in population databases (rs761598407, gnomAD 0.003%). This sequence change replaces histidine, which is basic and polar, with tyrosine, which is neutral and polar, at codon 663 of the EMC1 protein (p.His663Tyr).